The following is an entry in ClinVar:

ClinVar aggregate classification (germline): Pathogenic (1 of 4 stars; one submission).

Conditions:
Familial adenomatous polyposis 4 (FAP4). Also called: MSH3-related attenuated familial adenomatous polyposis. Identifiers: Orphanet 480536, MedGen C4310719, MONDO:0044300, OMIM 617100.

Submission:

Myriad Genetics, Inc.
Classification: Pathogenic for Familial adenomatous polyposis 4. Last evaluated: 2023-08-30. Review status: criteria provided, single submitter. Criteria: Myriad Autosomal Dominant, Autosomal Recessive and X-Linked Classification Criteria (2023). Collection method: clinical testing. Allele origin: unknown.
Comment: This variant is considered pathogenic. This variant creates a frameshift predicted to result in premature protein truncation.

NM_002439.5(MSH3):c.1439del (p.Thr480fs)

Gene: MSH3 (mutS homolog 3; plus strand). Cytogenetic location: 5q14.1.
Variant type: Deletion.
Coding change: c.1439del on transcript NM_002439.5 (MANE Select); coding-DNA position 1439, one base deleted (C; older notation c.1439delC).
Protein change: p.Thr480fs; shifts the reading frame from threonine 480.
Molecular consequence: frameshift variant.
Genome position (GRCh38, 1-based): chr5:80,725,551, C deleted. VCF-style (leftmost placement, unchanged base first): chr5-80725550-AC-A. GRCh37 (hg19) VCF-style: chr5-80021369-AC-A.
Other names: short protein forms T480fs.
Identifiers: ClinVar variation 2673537 (VCV002673537.1), dbSNP rs2546753058, ClinGen allele CA2695198660.